The following is an entry in ClinVar:

ClinVar aggregate classification (germline): Uncertain significance (1 of 4 stars; one submission).

Conditions:
Familial hyperparathyroidism or Hypocalciuric hypercalcaemia.

Submission:

Cambridge Genomics Laboratory, East Genomic Laboratory Hub, NHS Genomic Medicine Service
Classification: Uncertain significance for Familial hyperparathyroidism or Hypocalciuric hypercalcaemia. Last evaluated: 2025-09-17. Review status: criteria provided, single submitter. Criteria: ACGS Best Practice Guidelines for Variant Classification in Rare Disease 2020. Collection method: clinical testing. Allele origin: germline. Affected: yes.
Comment: PM2,PP3,PP4_Moderate

NM_000388.4(CASR):c.2591C>T (p.Pro864Leu)

Gene: CASR (calcium sensing receptor; plus strand). Cytogenetic location: 3q21.1.
Variant type: single nucleotide variant.
Coding change: c.2591C>T on transcript NM_000388.4 (MANE Select); coding-DNA position 2591, C replaced by T.
Protein change: p.Pro864Leu; replaces proline 864 with leucine.
Molecular consequence: missense variant.
Genome position (GRCh38, 1-based): chr3:122,284,545, C>T. VCF-style: chr3-122284545-C-T. GRCh37 (hg19) VCF-style: chr3-122003392-C-T.
Other names: c.2621C>T, p.Pro874Leu (NM_001178065.2); short protein forms P874L, P864L.
Identifiers: ClinVar variation 4540600 (VCV004540600.1).